The following is an entry in ClinVar:

NM_001009944.3(PKD1):c.2986-20_2986-2del

Gene: PKD1 (polycystin 1, transient receptor potential channel interacting; minus strand). Cytogenetic location: 16p13.3.
Variant type: Deletion.
Coding change: c.2986-20_2986-2del on transcript NM_001009944.3 (MANE Select); 20 bases into the intron before coding-DNA position 2986 through the canonical splice acceptor site of the intron before coding-DNA position 2986, 19 bases deleted (ACTGACGCCTGTCCCTGCA).
Molecular consequence: splice acceptor variant.
Genome position (GRCh38, 1-based): chr16:2,112,965-2,112,983, TGCAGGGACAGGCGTCAGT deleted on the plus strand (ACTGACGCCTGTCCCTGCA on the coding strand, the reverse complement: PKD1 is on the minus strand). VCF-style (leftmost placement, unchanged base first): chr16-2112964-CTGCAGGGACAGGCGTCAGT-C. GRCh37 (hg19) VCF-style: chr16-2162965-CTGCAGGGACAGGCGTCAGT-C.
Other names: c.2986-20_2986-2del (NM_000296.4).
Identifiers: ClinVar variation 4531581 (VCV004531581.1).

ClinVar aggregate classification (germline): Likely pathogenic (1 of 4 stars; one submission).

Conditions:
Polycystic kidney disease, adult type (PKD1). Also called: Polycystic Kidney, Autosomal Dominant; POLYCYSTIC KIDNEY DISEASE, ADULT, TYPE I; Polycystic Kidney Disease 1, Autosomal Dominant; Polycystic kidney disease 1; Polycystic kidney disease 1, severe; POLYCYSTIC KIDNEY DISEASE 1 WITH OR WITHOUT POLYCYSTIC LIVER DISEASE. Identifiers: MedGen C3149841, MONDO:0008263, OMIM 173900.

Submission:

Victorian Clinical Genetics Services, Murdoch Childrens Research Institute
Classification: Likely pathogenic for Polycystic kidney disease, adult type. Last evaluated: 2025-07-23. Review status: criteria provided, single submitter. Criteria: ACMG Guidelines, 2015. Collection method: clinical testing. Allele origin: germline. Affected: yes.
Comment: This variant is classified as Likely pathogenic. Evidence in support of pathogenic classification: Canonical splice site variant without proven consequence on splicing (no functional evidence available); Variant is absent from gnomAD (v2, v3 and v4); Another splice site variant comparable to the one identified in this case has limited previous evidence for pathogenicity. c.2986-2A>G has been classified as pathogenic by a clinical laboratory in ClinVar, and has been reported in the literature in a family with ADPKD (PMID: 26453610); Abnormal splicing is predicted by in silico tool and affected canonical splice site is highly conserved. Additional information: This variant is heterozygous; This gene is associated with autosomal dominant disease. Polycystic kidney disease 1 (MIM#173900) is predominantly caused by monoallelic variants, with rare reports of biallelic variants causing disease (OMIM); This variant has no previous evidence of pathogenicity; No published evidence of segregation with disease has been identified for this variant; No published functional evidence has been identified for this variant; Loss of function is a known mechanism of disease in this gene and is associated with polycystic kidney disease 1 (MIM#173900); Inheritance information for this variant is not currently available in this individual.

Literature cited by the submitters: PubMed 26453610.